The following is an entry in ClinVar:

ClinVar aggregate classification (germline): Likely benign. Review status: criteria provided, multiple submitters, no conflicts (2 of 4 stars). 2 submissions from 2 submitters: Likely benign (2). Last evaluated 2025-10-08.

Allele frequency attached by ClinVar (database versions not stated): gnomAD exomes 0.00004 and 0.00007; ExAC 0.00011; ESP Exome Variant Server 0.00015; gnomAD 0.00021; TOPMed 0.00023; 1000 Genomes Project 30x 0.00078; 1000 Genomes Project 0.00080.
gnomAD v4.1: 86 of 1,614,058 alleles (0.0053%); highest among the groups gnomAD compares: African/African-American, 0.081%; no homozygotes.

Submissions (2):

Labcorp Genetics (formerly Invitae), Labcorp
Classification: Likely benign. Last evaluated: 2025-10-08. Review status: criteria provided, single submitter. Criteria: Invitae Variant Classification Sherloc (09022015). Collection method: clinical testing. Allele origin: germline.

GeneDx
Classification: Likely benign. Last evaluated: 2014-05-22. Review status: criteria provided, single submitter. Criteria: GeneDx Variant Classification (06012015). Collection method: clinical testing. Allele origin: germline. Affected: yes.
Comment: This variant is considered likely benign or benign based on one or more of the following criteria: it is a conservative change, it occurs at a poorly conserved position in the protein, it is predicted to be benign by multiple in silico algorithms, and/or has population frequency not consistent with disease.

NM_144736.5(NDUFAF7):c.717C>T (p.Asp239=)

Gene: NDUFAF7 (NADH:ubiquinone oxidoreductase complex assembly factor 7; plus strand). Cytogenetic location: 2p22.2.
Variant type: single nucleotide variant.
Coding change: c.717C>T on transcript NM_144736.5 (MANE Select); coding-DNA position 717, C replaced by T.
Protein change: p.Asp239=; no amino-acid change (aspartic acid 239 retained).
Molecular consequence: synonymous variant. On other transcripts: non-coding transcript variant (10).
Genome position (GRCh38, 1-based): chr2:37,243,898, C>T. VCF-style: chr2-37243898-C-T. GRCh37 (hg19) VCF-style: chr2-37471041-C-T.
Other names: c.423C>T, p.Asp141= (NM_001083946.2); c.717C>T, p.Asp239= (NM_001350024.2); c.636C>T, p.Asp212= (NM_001350025.2); c.504C>T, p.Asp168= (NM_001350027.2).
Identifiers: ClinVar variation 214755 (VCV000214755.9), dbSNP rs371125538, ClinGen allele CA323978.